The following is an entry in ClinVar:

ClinVar aggregate classification (germline): Uncertain significance (1 of 4 stars; one submission).

Submission:

Dasa
Classification: Uncertain significance. Last evaluated: 2026-05-04. Review status: criteria provided, single submitter. Criteria: DASA Assertion Criteria. Collection method: clinical testing. Allele origin: germline.
Comment: NM_000212.3(ITGB3):c.1670A>G (p.Tyr557Cys) is a missense variant that results in the substitution of tyrosine with cysteine. This variant is rare in population databases. Computational prediction algorithms are consistent with a deleterious effect. The currently available literature and clinical evidence are not sufficient to establish a definitive association between this variant and the reported condition. Therefore, this variant is classified as a variant of uncertain significance.

NM_000212.3(ITGB3):c.1670A>G (p.Tyr557Cys)

Gene: ITGB3 (integrin subunit beta 3; plus strand). Cytogenetic location: 17q21.32.
Variant type: single nucleotide variant.
Coding change: c.1670A>G on transcript NM_000212.3 (MANE Select); coding-DNA position 1670, A replaced by G.
Protein change: p.Tyr557Cys; replaces tyrosine 557 with cysteine.
Molecular consequence: missense variant.
Genome position (GRCh38, 1-based): chr17:47,292,548, A>G. VCF-style: chr17-47292548-A-G. GRCh37 (hg19) VCF-style: chr17-45369914-A-G.
Other names: short protein forms Y557C.
Identifiers: ClinVar variation 5020631 (VCV005020631.1).